The following is an entry in ClinVar:

ClinVar aggregate classification (germline): Benign/Likely benign. Review status: criteria provided, multiple submitters, no conflicts (2 of 4 stars). 3 submissions from 2 submitters: Benign (2); Likely benign (1). Last evaluated 2021-11-12.

Conditions:
Charcot-Marie-Tooth disease type 4C (CMT4C). Also called: CHARCOT-MARIE-TOOTH DISEASE, DEMYELINATING, AUTOSOMAL RECESSIVE, TYPE 4C; CMT 4C; Charcot-Marie-Tooth Neuropathy Type 4C (CMT4C); CHARCOT-MARIE-TOOTH DISEASE, DEMYELINATING, TYPE 4C; SH3TC2-Related Hereditary Motor and Sensory Neuropathy. Identifiers: Orphanet 99949, MedGen C1866636, MONDO:0011113, OMIM 601596.
Susceptibility to mononeuropathy of the median nerve, mild. Also called: CARPAL TUNNEL SYNDROME, SUSCEPTIBILITY TO. Identifiers: MedGen C3150596, MONDO:0013237, OMIM 613353.

Allele frequency attached by ClinVar (database versions not stated): gnomAD 0.00544 and 0.00585; TOPMed 0.00604; 1000 Genomes Project 0.00679; 1000 Genomes Project 30x 0.00734.
gnomAD v4.1: 824 of 152,202 alleles (0.54%); highest among the groups gnomAD compares: African/African-American, 1.8%; 8 homozygotes.

Submissions (3):

GeneDx
Classification: Likely benign. Last evaluated: 2021-11-12. Review status: criteria provided, single submitter. Criteria: GeneDx Variant Classification Process June 2021. Collection method: clinical testing. Allele origin: germline. Affected: yes.
Comment: See Variant Classification Assertion Criteria.

Illumina Laboratory Services, Illumina
Classification: Benign for Charcot-Marie-Tooth disease type 4C. Last evaluated: 2018-01-13. Review status: criteria provided, single submitter. Criteria: ICSL Variant Classification Criteria 13 December 2019. Collection method: clinical testing. Allele origin: germline.
Comment: This variant was observed in the ICSL laboratory as part of a predisposition screen in an ostensibly healthy population. It had not been previously curated by ICSL or reported in the Human Gene Mutation Database (HGMD: prior to June 1st, 2018), and was therefore a candidate for classification through an automated scoring system. Utilizing variant allele frequency, disease prevalence and penetrance estimates, and inheritance mode, an automated score was calculated to assess if this variant is too frequent to cause the disease. Based on the score and internal cut-off values, a variant classified as benign is not then subjected to further curation. The score for this variant resulted in a classification of benign for this disease.

Illumina Laboratory Services, Illumina
Classification: Benign for Susceptibility to mononeuropathy of the median nerve, mild. Last evaluated: 2018-01-13. Review status: criteria provided, single submitter. Criteria: ICSL Variant Classification Criteria 13 December 2019. Collection method: clinical testing. Allele origin: germline.
Comment: the same text as in the submission from Illumina Laboratory Services, Illumina above.

NM_024577.4(SH3TC2):c.*15061C>T

Gene: SH3TC2 (SH3 domain and tetratricopeptide repeats 2; minus strand). Cytogenetic location: 5q32.
Variant type: single nucleotide variant.
Coding change: c.*15061C>T on transcript NM_024577.4 (MANE Select); 15061 bases downstream of the stop codon, C replaced by T.
Molecular consequence: 3 prime UTR variant.
Genome position (GRCh38, 1-based): chr5:148,989,650, G>A on the plus strand (C>T on the coding strand, the complement: SH3TC2 is on the minus strand). VCF-style: chr5-148989650-G-A. GRCh37 (hg19) VCF-style: chr5-148369213-G-A.
Identifiers: ClinVar variation 351655 (VCV000351655.6), dbSNP rs115722370, ClinGen allele CA10623335.